The following is an entry in ClinVar:

NM_000537.4(REN):c.492+17T>G

Gene: REN (renin; minus strand). Cytogenetic location: 1q32.1.
Variant type: single nucleotide variant.
Coding change: c.492+17T>G on transcript NM_000537.4 (MANE Select); 17 bases into the intron after coding-DNA position 492, T replaced by G.
Molecular consequence: intron variant.
Genome position (GRCh38, 1-based): chr1:204,160,543, A>C on the plus strand (T>G on the coding strand, the complement: REN is on the minus strand). VCF-style: chr1-204160543-A-C. GRCh37 (hg19) VCF-style: chr1-204129671-A-C.
Identifiers: ClinVar variation 256380 (VCV000256380.17), dbSNP rs5707, ClinGen allele CA1344922.

ClinVar aggregate classification (germline): Benign. Review status: criteria provided, multiple submitters, no conflicts (2 of 4 stars). 8 submissions from 7 submitters: Benign (8). Last evaluated 2026-02-04.

Conditions:
Kidney disorder. Also called: Nephropathy; Kidney disease; Kidney Diseases; renal disorder; renal disease. Identifiers: MedGen C0022658, MONDO:0005240, HP:0000112.
Renal tubular dysgenesis. Also called: Renotubular dysgenesis. Identifiers: Orphanet 3033, MedGen C0266313, MONDO:0017609, HP:0008660.
Familial juvenile hyperuricemic nephropathy type 2 (ADTKD4). Also called: Autosomal Dominant Tubulointerstitial Kidney Disease – REN; EARLY-ONSET HYPERURICEMIA, ANEMIA, AND PROGRESSIVE KIDNEY FAILURE. Identifiers: Orphanet 217330, MedGen C2751310, MONDO:0013128, OMIM 613092.

Allele frequency attached by ClinVar (database versions not stated): ESP Exome Variant Server 0.24642; gnomAD 0.25120; TOPMed 0.25346; 1000 Genomes Project 30x 0.27592; 1000 Genomes Project 0.28115.
gnomAD v4.1: 374,241 of 1,564,664 alleles (24%); highest among the groups gnomAD compares: East Asian, 42%; 46,173 homozygotes.

Submissions (8):

Labcorp Genetics (formerly Invitae), Labcorp
Classification: Benign. Last evaluated: 2026-02-04. Review status: criteria provided, single submitter. Criteria: Invitae Variant Classification Sherloc (09022015). Collection method: clinical testing. Allele origin: germline.

Blueprint Genetics
Classification: Benign. Last evaluated: 2024-11-26. Review status: criteria provided, single submitter. Criteria: ACMG Guidelines, 2015. Collection method: clinical testing. Allele origin: germline.

Genome-Nilou Lab
Classification: Benign for Renal tubular dysgenesis of genetic origin. Last evaluated: 2021-11-07. Review status: criteria provided, single submitter. Criteria: ACMG Guidelines, 2015. Collection method: clinical testing. Allele origin: germline. Affected: no.

Genome-Nilou Lab
Classification: Benign for Familial juvenile hyperuricemic nephropathy type 2. Last evaluated: 2021-11-07. Review status: criteria provided, single submitter. Criteria: ACMG Guidelines, 2015. Collection method: clinical testing. Allele origin: germline. Affected: no.

GeneDx
Classification: Benign. Last evaluated: 2018-11-12. Review status: criteria provided, single submitter. Criteria: GeneDx Variant Classification Process June 2021. Collection method: clinical testing. Allele origin: germline. Affected: yes.
Comment: This variant is associated with the following publications: (PMID: 18192836)

Genome Diagnostics Laboratory, The Hospital for Sick Children
Classification: Benign for Kidney disorder. Last evaluated: 2016-12-12. Review status: criteria provided, single submitter. Criteria: ACMG Guidelines, 2015. Collection method: clinical testing. Allele origin: germline.

Breakthrough Genomics
Classification: Benign. Review status: criteria provided, single submitter. Criteria: ACMG Guidelines, 2015. Collection method: not provided. Allele origin: germline. Inheritance: Autosomal recessive inheritance. Affected: yes.

PreventionGenetics, part of Exact Sciences
Classification: Benign. Review status: criteria provided, single submitter. Criteria: ACMG Guidelines, 2015. Collection method: clinical testing. Allele origin: germline.